The following is an entry in ClinVar:

ClinVar aggregate classification (germline): Pathogenic (1 of 4 stars; one submission).

Conditions:
NSD1-related disorder. Also called: NSD1-related condition.

Submission:

PreventionGenetics, part of Exact Sciences
Classification: Pathogenic for NSD1-related condition. Last evaluated: 2024-11-22. Review status: criteria provided, single submitter. Criteria: ACMG Guidelines, 2015. Collection method: clinical testing. Allele origin: germline.
Comment: The NSD1 c.3544_3551del8 variant is predicted to result in a frameshift and premature protein termination (p.Asn1182Valfs*4). To our knowledge, this variant has not been reported in the literature or in a large population database (gnomAD), indicating it is rare. Frameshift variants in NSD1 are expected to be pathogenic, and variants of this type have been reported in the literature immediately up- and downstream of amino acid 1182 (see for example, c.3541_3544del, p.Glu1181Thrfs*37, Turkmen et al. 2003. PubMed ID: 14571271). The c.3544_3551del8 (p.Asn1182Valfs*4) variant is interpreted as pathogenic.

NM_022455.5(NSD1):c.3544_3551del (p.Asn1182fs)

Gene: NSD1 (nuclear receptor binding SET domain protein 1; plus strand). Cytogenetic location: 5q35.3.
Variant type: Deletion.
Coding change: c.3544_3551del on transcript NM_022455.5 (MANE Select); coding-DNA positions 3544 to 3551, 8 bases deleted (AACTCTGA; older notation c.3544_3551delAACTCTGA).
Protein change: p.Asn1182fs; shifts the reading frame from asparagine 1182.
Molecular consequence: frameshift variant.
Genome position (GRCh38, 1-based): chr5:177,211,943-177,211,950, AACTCTGA deleted; deleting any 8 consecutive bases within chr5:177,211,942-177,211,950 gives the same sequence; the c. name uses the placement nearest the transcript's 3' end. VCF-style (leftmost placement, unchanged base first): chr5-177211941-AAAACTCTG-A. GRCh37 (hg19) VCF-style: chr5-176638942-AAAACTCTG-A.
Other names: c.3544_3551del8 (NM_022455.4); c.2671_2678del, p.Asn891fs (NM_001365684.2, NM_001409306.1, NM_001409307.1 and 3 more transcripts); c.3544_3551del, p.Asn1182fs (NM_001409301.1, NM_001409302.1, NM_001409303.1); c.3124_3131del, p.Asn1042fs (NM_001409304.1); c.2791_2798del, p.Asn931fs (NM_001409305.1); short protein forms N1182fs, N891fs, N931fs, N1042fs.
Identifiers: ClinVar variation 5002599 (VCV005002599.1).
Genomic context (GRCh38, chr5:177,211,941, plus strand): 5'-AGCGTTTAAACCAAAGGCGCACTAAACCTCGTAAGCGCATGAACAGATTTAAAGAGAAAG[AAAACTCTG>A]AGTGTGCCTTTAGGGTCTTACTTCCTAGTGACCCTGTGCAGGAGGGGCGGGATGAGTTTC-3'